The following is an entry in ClinVar:

ClinVar aggregate classification (germline): Likely benign. Review status: criteria provided, multiple submitters, no conflicts (2 of 4 stars). 3 submissions from 3 submitters: Likely benign (3). Last evaluated 2025-11-23.

Conditions:
Cardiovascular phenotype. Identifiers: MedGen CN230736.

Allele frequency attached by ClinVar (database versions not stated): gnomAD 0.00001; TOPMed 0.00001; gnomAD exomes 0.00008.
gnomAD v4.1: 13 of 1,550,240 alleles (0.00084%); highest among the groups gnomAD compares: Admixed American, 0.025%; no homozygotes.

Submissions (3):

Labcorp Genetics (formerly Invitae), Labcorp
Classification: Likely benign. Last evaluated: 2025-11-23. Review status: criteria provided, single submitter. Criteria: Invitae Variant Classification Sherloc (09022015). Collection method: clinical testing. Allele origin: germline.

CeGaT Center for Human Genetics Tuebingen
Classification: Likely benign. Last evaluated: 2025-09-01. Review status: criteria provided, single submitter. Criteria: CeGaT Center For Human Genetics Tuebingen Variant Classification Criteria Version 2. Collection method: clinical testing. Allele origin: germline. Affected: yes. Observed: 1 variant allele.
Comment: ZNF469: BP4, BP7

Ambry Genetics
Classification: Likely benign for Cardiovascular phenotype. Last evaluated: 2019-12-19. Review status: criteria provided, single submitter. Criteria: Ambry Variant Classification Scheme 2023. Collection method: clinical testing. Allele origin: germline.

NM_001367624.2(ZNF469):c.5064G>A (p.Arg1688=)

Gene: ZNF469 (zinc finger protein 469; plus strand). Cytogenetic location: 16q24.2.
Variant type: single nucleotide variant.
Coding change: c.5064G>A on transcript NM_001367624.2 (MANE Select); coding-DNA position 5064, G replaced by A.
Protein change: p.Arg1688=; no amino-acid change (arginine 1688 retained).
Molecular consequence: synonymous variant.
Genome position (GRCh38, 1-based): chr16:88,432,534, G>A. VCF-style: chr16-88432534-G-A. GRCh37 (hg19) VCF-style: chr16-88498942-G-A.
Other names: NM_001127464.1:c.4980G>A.
Identifiers: ClinVar variation 1532474 (VCV001532474.17), dbSNP rs1302938816, ClinGen allele CA497355102.